The following is an entry in ClinVar:

ClinVar aggregate classification (germline): Benign/Likely benign. Review status: criteria provided, multiple submitters, no conflicts (2 of 4 stars). 3 submissions from 3 submitters: Benign (1); Likely benign (1). 1 of the submissions does not count toward it. Last evaluated 2025-09-10.

Conditions:
CUBN-related disorder. Also called: CUBN-related condition.
Imerslund-Grasbeck syndrome. Also called: Imerslund-Gräsbeck syndrome; ENTEROCYTE COBALAMIN MALABSORPTION; ENTEROCYTE INTRINSIC FACTOR RECEPTOR, DEFECT OF; PERNICIOUS ANEMIA, JUVENILE, DUE TO SELECTIVE INTESTINAL MALABSORPTION OF VITAMIN B12, WITH PROTEINURIA; Megaloblastic anemia due to inborn errors of metabolism. Identifiers: Orphanet 35858, MedGen C4551825, MONDO:0009853.

Allele frequency attached by ClinVar (database versions not stated): TOPMed 0.00007; ExAC 0.00050; 1000 Genomes Project 0.00060; 1000 Genomes Project 30x 0.00078.
gnomAD v4.1: 389 of 1,614,072 alleles (0.024%); highest among the groups gnomAD compares: South Asian, 0.37%; 10 homozygotes.

Submissions (3):

Labcorp Genetics (formerly Invitae), Labcorp
Classification: Benign for Imerslund-Grasbeck syndrome. Last evaluated: 2025-09-10. Review status: criteria provided, single submitter. Criteria: Invitae Variant Classification Sherloc (09022015). Collection method: clinical testing. Allele origin: germline.

CeGaT Center for Human Genetics Tuebingen
Classification: Likely benign. Last evaluated: 2023-01-01. Review status: criteria provided, single submitter. Criteria: CeGaT Center For Human Genetics Tuebingen Variant Classification Criteria Version 2. Collection method: clinical testing. Allele origin: germline. Affected: yes. Observed: 1 variant allele.
Comment: CUBN: BS2

PreventionGenetics, part of Exact Sciences
Classification: Likely benign for CUBN-related condition. Last evaluated: 2022-12-20. Review status: no assertion criteria provided. Collection method: clinical testing. Allele origin: germline. Not counted in ClinVar's aggregate classification.
Comment: This variant is classified as likely benign based on ACMG/AMP sequence variant interpretation guidelines (Richards et al. 2015 PMID: 25741868, with internal and published modifications).

NM_001081.4(CUBN):c.8279T>C (p.Ile2760Thr)

Gene: CUBN (cubilin; minus strand). Cytogenetic location: 10p13.
Variant type: single nucleotide variant.
Coding change: c.8279T>C on transcript NM_001081.4 (MANE Select); coding-DNA position 8279, T replaced by C.
Protein change: p.Ile2760Thr; replaces isoleucine 2760 with threonine.
Molecular consequence: missense variant.
Genome position (GRCh38, 1-based): chr10:16,900,756, A>G on the plus strand (T>C on the coding strand, the complement: CUBN is on the minus strand). VCF-style: chr10-16900756-A-G. GRCh37 (hg19) VCF-style: chr10-16942755-A-G.
Other names: short protein forms I2760T.
Identifiers: ClinVar variation 2417574 (VCV002417574.31), dbSNP rs538864199, ClinGen allele CA5423074.
Genomic context (GRCh38, chr10:16,900,756, plus strand): 5'-ACCAGCTGATTGGAACCTGACTGTATTGTCCTGGGGTTTGAATTTCCACAGTATTGTCCT[A>G]TGATGGGTGATTCAGGGGACCCACCATTCCTGACAGTGACAGAGTCCCAAGCACAAGTTG-3'
Protein context (NP_001072.2, residues 2750-2770): RNGGSPESPI[Ile2760Thr]GQYCGNSNPR